The following is an entry in ClinVar:

ClinVar aggregate classification (germline): Uncertain significance (1 of 4 stars; one submission).

Submission:

Labcorp Genetics (formerly Invitae), Labcorp
Classification: Uncertain significance. Last evaluated: 2022-08-05. Review status: criteria provided, single submitter. Criteria: Invitae Variant Classification Sherloc (09022015). Collection method: clinical testing. Allele origin: germline.
Comment: This sequence change replaces phenylalanine, which is neutral and non-polar, with cysteine, which is neutral and slightly polar, at codon 1889 of the MTOR protein (p.Phe1889Cys). This variant is not present in population databases (gnomAD no frequency). In summary, the available evidence is currently insufficient to determine the role of this variant in disease. Therefore, it has been classified as a Variant of Uncertain Significance. Advanced modeling of protein sequence and biophysical properties (such as structural, functional, and spatial information, amino acid conservation, physicochemical variation, residue mobility, and thermodynamic stability) performed at Invitae indicates that this missense variant is expected to disrupt MTOR protein function. This variant has not been reported in the literature in individuals affected with MTOR-related conditions.

NM_004958.4(MTOR):c.5666T>G (p.Phe1889Cys)

Gene: MTOR (mechanistic target of rapamycin kinase; minus strand). Cytogenetic location: 1p36.22.
Variant type: single nucleotide variant.
Coding change: c.5666T>G on transcript NM_004958.4 (MANE Select); coding-DNA position 5666, T replaced by G.
Protein change: p.Phe1889Cys; replaces phenylalanine 1889 with cysteine.
Molecular consequence: missense variant.
Genome position (GRCh38, 1-based): chr1:11,129,786, A>C on the plus strand (T>G on the coding strand, the complement: MTOR is on the minus strand). VCF-style: chr1-11129786-A-C. GRCh37 (hg19) VCF-style: chr1-11189843-A-C.
Other names: c.5666T>G, p.Phe1889Cys (NM_001386500.1); c.4418T>G, p.Phe1473Cys (NM_001386501.1); short protein forms F1473C, F1889C.
Identifiers: ClinVar variation 1714548 (VCV001714548.5), dbSNP rs2522322323, ClinGen allele CA338397639.
Genomic context (GRCh38, chr1:11,129,786, plus strand): 5'-CTTCTCTGATACCTGAGTGTATCCTGGAGGTTGTTGCCTCGTGACAAGGAGATGGAACGG[A>C]AGAAGCCCTGGACGGCAGGCACCGTGTACATCAGGAGGGTTTTGGACAGATCCTGTTGGA-3'
Protein context (NP_004949.1, residues 1879-1899): MYTVPAVQGF[Phe1889Cys]RSISLSRGNN